The following is an entry in ClinVar:

NM_004523.4(KIF11):c.3021C>T (p.Gly1007=)

Gene: KIF11 (kinesin family member 11; plus strand). Cytogenetic location: 10q23.33.
Variant type: single nucleotide variant.
Coding change: c.3021C>T on transcript NM_004523.4 (MANE Select); coding-DNA position 3021, C replaced by T.
Protein change: p.Gly1007=; no amino-acid change (glycine 1007 retained).
Molecular consequence: synonymous variant.
Genome position (GRCh38, 1-based): chr10:92,650,499, C>T. VCF-style: chr10-92650499-C-T. GRCh37 (hg19) VCF-style: chr10-94410256-C-T.
Identifiers: ClinVar variation 380725 (VCV000380725.7), dbSNP rs762857374, ClinGen allele CA5604522.
Genomic context (GRCh38, chr10:92,650,499, plus strand): 5'-TGAAGAACCTCTAAGTCAAGAGCCATCTGTAGATGCTGGTGTGGATTGTTCATCAATTGG[C>T]GGGGTTCCATTTTTCCAGGTATGTCATATCAGATAACCCTTCCACATCTGATGTAAGTCA-3'
Protein context (NP_004514.2, residues 997-1017): VDAGVDCSSI[Gly1007=]GVPFFQHKKS

ClinVar aggregate classification (germline): Likely benign. Review status: criteria provided, multiple submitters, no conflicts (2 of 4 stars). 3 submissions from 3 submitters: Likely benign (3). Last evaluated 2025-11-01.

Allele frequency attached by ClinVar (database versions not stated): TOPMed below 0.00001; gnomAD 0.00001; gnomAD exomes 0.00002 and 0.00004; ExAC 0.00004.
gnomAD v4.1: 33 of 1,607,198 alleles (0.0021%); highest among the groups gnomAD compares: South Asian, 0.016%; no homozygotes.

Submissions (3):

CeGaT Center for Human Genetics Tuebingen
Classification: Likely benign. Last evaluated: 2025-11-01. Review status: criteria provided, single submitter. Criteria: CeGaT Center For Human Genetics Tuebingen Variant Classification Criteria Version 2. Collection method: clinical testing. Allele origin: germline. Affected: yes. Observed: 1 variant allele.
Comment: KIF11: BP4, BP7

Blueprint Genetics
Classification: Likely benign. Last evaluated: 2024-06-26. Review status: criteria provided, single submitter. Criteria: ACMG Guidelines, 2015. Collection method: clinical testing. Allele origin: germline.

GeneDx
Classification: Likely benign. Last evaluated: 2015-09-21. Review status: criteria provided, single submitter. Criteria: GeneDx Variant Classification (06012015). Collection method: clinical testing. Allele origin: germline. Affected: yes.
Comment: This variant is considered likely benign or benign based on one or more of the following criteria: it is a conservative change, it occurs at a poorly conserved position in the protein, it is predicted to be benign by multiple in silico algorithms, and/or has population frequency not consistent with disease.